The following is an entry in ClinVar:

ClinVar aggregate classification (germline): Conflicting classifications of pathogenicity. Review status: criteria provided, conflicting classifications (1 of 4 stars). 3 submissions from 3 submitters: Uncertain significance (1); Likely benign (2). Last evaluated 2026-02-03.

Conditions:
Cardiovascular phenotype. Identifiers: MedGen CN230736.
Cardiomyopathy (CMYO). Also called: Cardiomyopathies. Identifiers: Orphanet 167848, MedGen C0878544, MONDO:0004994, HP:0001638. Inheritance: Various modes of inheritance.

Allele frequency attached by ClinVar (database versions not stated): gnomAD exomes 0.00001; gnomAD 0.00002 and 0.00003; TOPMed 0.00002; ExAC 0.00005; ESP Exome Variant Server 0.00008.
gnomAD v4.1: 24 of 1,538,528 alleles (0.0016%); highest among the groups gnomAD compares: Non-Finnish European, 0.002%; no homozygotes.

Submissions (3):

Ambry Genetics
Classification: Uncertain significance for Cardiovascular phenotype. Last evaluated: 2026-02-03. Review status: criteria provided, single submitter. Criteria: Ambry Variant Classification Scheme 2023. Collection method: clinical testing. Allele origin: germline.
Comment: The c.8895+5A>G intronic variant results from an A to G substitution 5 nucleotides after coding exon 61 in the RYR2 gene. This nucleotide position is highly conserved in available vertebrate species. In silico splice site analysis predicts that this alteration will not have any significant effect on splicing. Based on the available evidence, the clinical significance of this variant remains unclear.

Blueprint Genetics
Classification: Likely benign. Last evaluated: 2021-06-24. Review status: criteria provided, single submitter. Criteria: ACMG Guidelines, 2015. Collection method: clinical testing. Allele origin: germline.

Color Diagnostics, LLC DBA Color Health
Classification: Likely benign for Cardiomyopathy. Last evaluated: 2019-04-26. Review status: criteria provided, single submitter. Criteria: ACMG Guidelines, 2015. Collection method: clinical testing. Allele origin: germline.

NM_001035.3(RYR2):c.8895+5A>G

Gene: RYR2 (ryanodine receptor 2; plus strand). Cytogenetic location: 1q43.
Variant type: single nucleotide variant.
Coding change: c.8895+5A>G on transcript NM_001035.3 (MANE Select); 5 bases into the intron after coding-DNA position 8895, A replaced by G.
Molecular consequence: intron variant.
Genome position (GRCh38, 1-based): chr1:237,678,117, A>G. VCF-style: chr1-237678117-A-G. GRCh37 (hg19) VCF-style: chr1-237841417-A-G.
Other names: c.8895+5A>G (NM_001035.2).
Identifiers: ClinVar variation 924327 (VCV000924327.4), dbSNP rs375788753, ClinGen allele CA087769.